The following is an entry in ClinVar:

ClinVar aggregate classification (germline): Pathogenic. Review status: criteria provided, multiple submitters, no conflicts (2 of 4 stars). 2 submissions from 2 submitters: Pathogenic (2). Last evaluated 2024-03-23.

Conditions:
Familial infantile myasthenia (CMS6). Also called: MYASTHENIC SYNDROME, PRESYNAPTIC, CONGENITAL, ASSOCIATED WITH EPISODIC APNEA; MYASTHENIC SYNDROME, CONGENITAL, 6, PRESYNAPTIC; Congenital myasthenic syndrome type 6. Identifiers: Orphanet 590, MedGen C0393929, MONDO:0009689, OMIM 254210.

Allele frequency attached by ClinVar (database versions not stated): gnomAD exomes below 0.00001.

Submissions (2):

Baylor Genetics
Classification: Pathogenic for Familial infantile myasthenia. Last evaluated: 2024-03-23. Review status: criteria provided, single submitter. Criteria: ACMG Guidelines, 2015. Collection method: clinical testing. Allele origin: unknown.

Labcorp Genetics (formerly Invitae), Labcorp
Classification: Pathogenic for Familial infantile myasthenia. Last evaluated: 2020-03-28. Review status: criteria provided, single submitter. Criteria: Invitae Variant Classification Sherloc (09022015). Collection method: clinical testing. Allele origin: germline.
Comment: This sequence change creates a premature translational stop signal (p.Gln223Hisfs*10) in the CHAT gene. It is expected to result in an absent or disrupted protein product. This variant is not present in population databases (ExAC no frequency). For these reasons, this variant has been classified as Pathogenic. Loss-of-function variants in CHAT are known to be pathogenic (PMID: 12548525, 21786365, 23292760). This variant has not been reported in the literature in individuals with CHAT-related conditions. ClinVar contains an entry for this variant (Variation ID: 461462).

Literature cited by the submitters: PubMed 12548525 (cited by Labcorp Genetics (formerly Invitae), Labcorp); PubMed 21786365 (cited by Labcorp Genetics (formerly Invitae), Labcorp); PubMed 23292760 (cited by Labcorp Genetics (formerly Invitae), Labcorp).

NM_020549.5(CHAT):c.669del (p.Gln223fs)

Gene: CHAT (choline O-acetyltransferase; plus strand). Cytogenetic location: 10q11.23.
Variant type: Deletion.
Coding change: c.669del on transcript NM_020549.5 (MANE Select); coding-DNA position 669, one base deleted (G; older notation c.669delG).
Protein change: p.Gln223fs; shifts the reading frame from glutamine 223.
Molecular consequence: frameshift variant.
Genome position (GRCh38, 1-based): chr10:49,620,584, G deleted. VCF-style (leftmost placement, unchanged base first): chr10-49620583-AG-A. GRCh37 (hg19) VCF-style: chr10-50828629-AG-A.
Other names: c.423del, p.Gln141fs (NM_001142933.2); c.315del, p.Gln105fs (NM_001142934.2, NM_020984.4, NM_020985.4 and 2 more transcripts); c.669delG (NM_020549.4); short protein forms Q223fs, Q105fs, Q141fs.
Identifiers: ClinVar variation 461462 (VCV000461462.7), dbSNP rs1554802808, ClinGen allele CA658657962.
Genomic context (GRCh38, chr10:49,620,583, plus strand): 5'-ATCTCAACAACCGCCTGGCCCTGCCTGTCAACTCCAGCCCTGCCGTGATCTTTGCTCGGC[AG>A]CACTTCCCTGGCACCGATGACCAGCTGAGGTGAGGCCTTGGTGCTCCTAGCTCATAACCT-3'